The following is an entry in ClinVar:

ClinVar aggregate classification (germline): Conflicting classifications of pathogenicity. Review status: criteria provided, conflicting classifications (1 of 4 stars). 11 submissions from 11 submitters: Uncertain significance (2); Benign (1); Likely benign (4). 4 of the submissions do not count toward it. Last evaluated 2026-02-02.

Conditions:
Mendelian susceptibility to mycobacterial diseases due to partial STAT1 deficiency. Also called: IMMUNODEFICIENCY 31A, MYCOBACTERIOSIS, AUTOSOMAL DOMINANT; STAT1 DEFICIENCY, AUTOSOMAL DOMINANT; Immunodeficiency 31a. Identifiers: Orphanet 319595, MedGen C4013950, MONDO:0013956, OMIM 614892.
Immunodeficiency 31B. Also called: IMMUNODEFICIENCY 31B, MYCOBACTERIAL AND VIRAL INFECTIONS, AUTOSOMAL RECESSIVE; STAT1 DEFICIENCY, AUTOSOMAL RECESSIVE. Identifiers: Orphanet 391311, MedGen C3151088, MONDO:0013427, OMIM 613796.
STAT1-related disorder. Also called: STAT1-related condition.
Autoimmune enteropathy and endocrinopathy - susceptibility to chronic infections syndrome. Also called: Immunodeficiency 31C, autosomal dominant; Immunodeficiency 31C. Identifiers: Orphanet 391487, MedGen C3279990, MONDO:0013599, OMIM 614162.

Allele frequency attached by ClinVar (database versions not stated): 1000 Genomes Project 30x 0.00047; 1000 Genomes Project 0.00060; TOPMed 0.00190; ExAC 0.00204; gnomAD exomes 0.00237 and 0.00325; gnomAD 0.00246 and 0.00251; ESP Exome Variant Server 0.00315.
gnomAD v4.1: 5,072 of 1,613,894 alleles (0.31%); highest among the groups gnomAD compares: Non-Finnish European, 0.37%; 15 homozygotes.

Submissions (11):

Labcorp Genetics (formerly Invitae), Labcorp
Classification: Likely benign for Mendelian susceptibility to mycobacterial diseases due to partial STAT1 deficiency; Immunodeficiency 31B; Autoimmune enteropathy and endocrinopathy - susceptibility to chronic infections syndrome. Last evaluated: 2026-02-02. Review status: criteria provided, single submitter. Criteria: Invitae Variant Classification Sherloc (09022015). Collection method: clinical testing. Allele origin: germline.

CeGaT Center for Human Genetics Tuebingen
Classification: Likely benign. Last evaluated: 2025-12-01. Review status: criteria provided, single submitter. Criteria: CeGaT Center For Human Genetics Tuebingen Variant Classification Criteria Version 2. Collection method: clinical testing. Allele origin: germline. Affected: yes. Observed: 6 variant alleles.
Comment: STAT1: PP2, BP4, BS3:Supporting, BS2

Blueprint Genetics
Classification: Likely benign. Last evaluated: 2024-11-25. Review status: criteria provided, single submitter. Criteria: ACMG Guidelines, 2015. Collection method: clinical testing. Allele origin: germline.

Mayo Clinic Laboratories, Mayo Clinic
Classification: Uncertain significance. Last evaluated: 2020-06-19. Review status: criteria provided, single submitter. Criteria: ACMG Guidelines, 2015. Collection method: clinical testing. Allele origin: germline. Observed: 1 variant allele.

Mendelics
Classification: Likely benign for Immunodeficiency 31B. Last evaluated: 2019-05-28. Review status: criteria provided, single submitter. Criteria: Mendelics Assertion Criteria 2017. Collection method: clinical testing. Allele origin: unknown.

Illumina Laboratory Services, Illumina
Classification: Benign for Mendelian susceptibility to mycobacterial diseases due to partial STAT1 deficiency. Last evaluated: 2018-01-12. Review status: criteria provided, single submitter. Criteria: ICSL Variant Classification Criteria 13 December 2019. Collection method: clinical testing. Allele origin: germline.
Comment: This variant was observed in the ICSL laboratory as part of a predisposition screen in an ostensibly healthy population. It had not been previously curated by ICSL or reported in the Human Gene Mutation Database (HGMD: prior to June 1st, 2018), and was therefore a candidate for classification through an automated scoring system. Utilizing variant allele frequency, disease prevalence and penetrance estimates, and inheritance mode, an automated score was calculated to assess if this variant is too frequent to cause the disease. Based on the score and internal cut-off values, a variant classified as benign is not then subjected to further curation. The score for this variant resulted in a classification of benign for this disease.

Center for Genomics, Ann and Robert H. Lurie Children's Hospital of Chicago
Classification: Uncertain significance for Autoimmune enteropathy and endocrinopathy - susceptibility to chronic infections syndrome; Mendelian susceptibility to mycobacterial diseases due to partial STAT1 deficiency; Immunodeficiency 31B. Review status: criteria provided, single submitter. Criteria: ACMG Guidelines, 2015. Collection method: clinical testing. Allele origin: germline.
Comment: STAT1 NM_007315.3 exon 10 p.Val266Ile (c.796G>A): This variant has been reported in the literature as a heterozygous variant in at least 8 individuals with varying [inconsistent?] immunodeficiency phenotypes (Uzel 2013 PMID:23534974, Mork 2015 PMID:26513235, Remaschi 2015 PMID:26162368, Szymanski 2015 PMID:26038974, Depner 2016 PMID:26604104, Rae 2018 PMID:29077208). This variant is present in 0.6% (175/25748) of European alleles in the Genome Aggregation Database and is present in ClinVar with conflicting interpretations ranging from likely benign to pathogenic (Variation ID:333285). Functional studies are also conflicting; one study using flow cytometric anaylsis showed a significant increase in STAT1 phosphorylation with this variant compared to the wildtype, which is consistent with a gain of function effect (Uzel 2013 PMID:23534974). However, a second study using similar methodology showed no evidence for hyperphosphorylation of STAT1 with this variant (Depner 2016 PMID:26604104). This variant amino acid Isoleucine (Ile) is present in several species and is not well conserved among evolutionarily distant species; this suggests that this variant may not impact the protein. Additional computational prediction tools do not suggest an impact. In summary, data on this variant is insufficient for disease classification. Therefore, the clinical significance of this variant is uncertain

PreventionGenetics, part of Exact Sciences
Classification: Likely benign for STAT1-related condition. Last evaluated: 2024-06-01. Review status: no assertion criteria provided. Collection method: clinical testing. Allele origin: germline. Not counted in ClinVar's aggregate classification.
Comment: This variant is classified as likely benign based on ACMG/AMP sequence variant interpretation guidelines (Richards et al. 2015 PMID: 25741868, with internal and published modifications).

OMIM
Classification: Pathogenic for IMMUNODEFICIENCY 31A. Last evaluated: 2018-10-04. Review status: no assertion criteria provided. Collection method: literature only. Allele origin: germline. Not counted in ClinVar's aggregate classification.

Clinical Genetics DNA and cytogenetics Diagnostics Lab, Erasmus MC, Erasmus Medical Center
Classification: Likely benign. Review status: no assertion criteria provided. Collection method: clinical testing. Allele origin: germline. Affected: yes. Study: VKGL Data-share Consensus. Not counted in ClinVar's aggregate classification.

Diagnostic Laboratory, Department of Genetics, University Medical Center Groningen
Classification: Likely benign. Review status: no assertion criteria provided. Collection method: clinical testing. Allele origin: germline. Affected: yes. Study: VKGL Data-share Consensus. Not counted in ClinVar's aggregate classification.

Literature cited by the submitters: PubMed 26513235 (cited by OMIM).

NM_007315.4(STAT1):c.796G>A (p.Val266Ile)

Gene: STAT1 (signal transducer and activator of transcription 1; minus strand). Cytogenetic location: 2q32.2.
Variant type: single nucleotide variant.
Coding change: c.796G>A on transcript NM_007315.4 (MANE Select); coding-DNA position 796, G replaced by A.
Protein change: p.Val266Ile; replaces valine 266 with isoleucine.
Molecular consequence: missense variant. On other transcripts: intron variant (1).
Genome position (GRCh38, 1-based): chr2:190,995,209, C>T on the plus strand (G>A on the coding strand, the complement: STAT1 is on the minus strand). VCF-style: chr2-190995209-C-T. GRCh37 (hg19) VCF-style: chr2-191859935-C-T.
Other names: c.796G>A, p.Val266Ile (NM_001384880.1, NM_001384882.1, NM_001384886.1 and 4 more transcripts); c.802G>A, p.Val268Ile (NM_001384881.1, NM_001384884.1); c.697G>A, p.Val233Ile (NM_001384883.1); c.706G>A, p.Val236Ile (NM_001384890.1); c.832G>A, p.Val278Ile (NM_001384891.1); c.785+2647G>A (NM_001384885.1); short protein forms V266I, V233I, V236I, V268I, V278I.
Identifiers: ClinVar variation 333285 (VCV000333285.69), dbSNP rs41473544, ClinGen allele CA2030134.